The following is an entry in ClinVar:

NM_001351132.2(PEX5):c.563A>G (p.Tyr188Cys)

Gene: PEX5 (peroxisomal biogenesis factor 5; plus strand). Cytogenetic location: 12p13.31.
Variant type: single nucleotide variant.
Coding change: c.563A>G on transcript NM_001351132.2 (MANE Select); coding-DNA position 563, A replaced by G.
Protein change: p.Tyr188Cys; replaces tyrosine 188 with cysteine.
Molecular consequence: missense variant.
Genome position (GRCh38, 1-based): chr12:7,201,762, A>G. VCF-style: chr12-7201762-A-G. GRCh37 (hg19) VCF-style: chr12-7354358-A-G.
Other names: c.563A>G, p.Tyr188Cys (NM_001374648.2, NM_001374649.2, NM_001351130.3 and 19 more transcripts); c.608A>G, p.Tyr203Cys (NM_001351135.3, NM_001351138.2, NM_001131023.2); short protein forms Y203C, Y188C.
Identifiers: ClinVar variation 3673822 (VCV003673822.2).

ClinVar aggregate classification (germline): Uncertain significance (1 of 4 stars; one submission).

Conditions:
Peroxisome biogenesis disorder 2B (PBD2B). Identifiers: Orphanet 44, MedGen C3550234, MONDO:0008736, OMIM 202370.

Submission:

Labcorp Genetics (formerly Invitae), Labcorp
Classification: Uncertain significance for Peroxisome biogenesis disorder 2B. Last evaluated: 2024-08-08. Review status: criteria provided, single submitter. Criteria: Invitae Variant Classification Sherloc (09022015). Collection method: clinical testing. Allele origin: germline.
Comment: This sequence change replaces tyrosine, which is neutral and polar, with cysteine, which is neutral and slightly polar, at codon 188 of the PEX5 protein (p.Tyr188Cys). This variant is not present in population databases (gnomAD no frequency). This variant has not been reported in the literature in individuals affected with PEX5-related conditions. Advanced modeling of protein sequence and biophysical properties (such as structural, functional, and spatial information, amino acid conservation, physicochemical variation, residue mobility, and thermodynamic stability) performed at Invitae indicates that this missense variant is expected to disrupt PEX5 protein function with a positive predictive value of 80%. In summary, the available evidence is currently insufficient to determine the role of this variant in disease. Therefore, it has been classified as a Variant of Uncertain Significance.